The following is an entry in ClinVar:

NM_001256071.3(RNF213):c.12860G>A (p.Arg4287Gln)

Genes: RNF213 (ring finger protein 213; plus strand), RNF213-AS1 (RNF213 antisense RNA 1; minus strand). Cytogenetic location: 17q25.3.
Variant type: single nucleotide variant.
Coding change: c.12860G>A on transcript NM_001256071.3 (MANE Select); coding-DNA position 12860, G replaced by A.
Protein change: p.Arg4287Gln; replaces arginine 4287 with glutamine.
Molecular consequence: missense variant.
Genome position (GRCh38, 1-based): chr17:80,373,083, G>A. VCF-style: chr17-80373083-G-A. GRCh37 (hg19) VCF-style: chr17-78346883-G-A.
Other names: c.13007G>A, p.Arg4336Gln (NM_001410195.1, NM_020914.5); short protein forms R4287Q, R4336Q.
Identifiers: ClinVar variation 3358442 (VCV003358442.1).

ClinVar aggregate classification (germline): Uncertain significance (0 of 4 stars; one submission).

Conditions:
RNF213-related disorder. Also called: RNF213-related condition.

gnomAD v4.1: 146 of 1,613,720 alleles (0.009%); highest among the groups gnomAD compares: African/African-American, 0.023%; 1 homozygote.

Submission:

PreventionGenetics, part of Exact Sciences
Classification: Uncertain significance for RNF213-related condition. Last evaluated: 2024-03-19. Review status: no assertion criteria provided. Collection method: clinical testing. Allele origin: germline.
Comment: The RNF213 c.12860G>A variant is predicted to result in the amino acid substitution p.Arg4287Gln. To our knowledge, this variant has not been reported in the literature. This variant is reported in 0.020% of alleles in individuals of African descent in gnomAD. At this time, the clinical significance of this variant is uncertain due to the absence of conclusive functional and genetic evidence.